The following is an entry in ClinVar:

NM_016653.3(MAP3K20):c.1087G>A (p.Val363Ile)

Genes: MAP3K20 (mitogen-activated protein kinase kinase kinase 20; plus strand), MAP3K20-AS1 (MAP3K20 antisense RNA 1; minus strand). Cytogenetic location: 2q31.1.
Variant type: single nucleotide variant.
Coding change: c.1087G>A on transcript NM_016653.3 (MANE Select); coding-DNA position 1087, G replaced by A.
Protein change: p.Val363Ile; replaces valine 363 with isoleucine.
Molecular consequence: missense variant.
Genome position (GRCh38, 1-based): chr2:173,232,343, G>A. VCF-style: chr2-173232343-G-A. GRCh37 (hg19) VCF-style: chr2-174097071-G-A.
Other names: short protein forms V363I.
Identifiers: ClinVar variation 2049066 (VCV002049066.1), dbSNP rs376505845, ClinGen allele CA1970741.
Genomic context (GRCh38, chr2:173,232,343, plus strand): 5'-ATCTAATTTTATTCTGCTTTCTAATCACTTCCTTCAGGTGACTCTTCAGCAGAGATGAGT[G>A]TATATGCAAGCTTGTTTAAAGAAAACAACATTACAGGGAAGCGGCTGCTGCTGCTGGAGG-3'
Protein context (NP_057737.2, residues 353-373): RKGDSSAEMS[Val363Ile]YASLFKENNI

ClinVar aggregate classification (germline): Uncertain significance (1 of 4 stars; one submission).

Allele frequency attached by ClinVar (database versions not stated): ExAC 0.00002; gnomAD exomes 0.00002; gnomAD 0.00005; TOPMed 0.00006; ESP Exome Variant Server 0.00008.
gnomAD v4.1: 29 of 1,614,230 alleles (0.0018%); highest among the groups gnomAD compares: African/African-American, 0.023%; no homozygotes.

Submission:

Labcorp Genetics (formerly Invitae), Labcorp
Classification: Uncertain significance. Last evaluated: 2022-07-27. Review status: criteria provided, single submitter. Criteria: Invitae Variant Classification Sherloc (09022015). Collection method: clinical testing. Allele origin: germline.
Comment: This sequence change replaces valine, which is neutral and non-polar, with isoleucine, which is neutral and non-polar, at codon 363 of the MAP3K20 protein (p.Val363Ile). This variant is present in population databases (rs376505845, gnomAD 0.005%). This variant has not been reported in the literature in individuals affected with MAP3K20-related conditions. Experimental studies and prediction algorithms are not available or were not evaluated, and the functional significance of this variant is currently unknown. In summary, the available evidence is currently insufficient to determine the role of this variant in disease. Therefore, it has been classified as a Variant of Uncertain Significance.